The following is an entry in ClinVar:

NM_003718.5(CDK13):c.149A>C (p.Gln50Pro)

Gene: CDK13 (cyclin dependent kinase 13; plus strand). Cytogenetic location: 7p14.1.
Variant type: single nucleotide variant.
Coding change: c.149A>C on transcript NM_003718.5 (MANE Select); coding-DNA position 149, A replaced by C.
Protein change: p.Gln50Pro; replaces glutamine 50 with proline.
Molecular consequence: missense variant.
Genome position (GRCh38, 1-based): chr7:39,950,790, A>C. VCF-style: chr7-39950790-A-C. GRCh37 (hg19) VCF-style: chr7-39990389-A-C.
Other names: c.149A>C, p.Gln50Pro (NM_031267.4); short protein forms Q50P.
Identifiers: ClinVar variation 2662206 (VCV002662206.1), dbSNP rs1787131091, ClinGen allele CA367308725.

ClinVar aggregate classification (germline): Uncertain significance (1 of 4 stars; one submission).

Submission:

GeneDx
Classification: Uncertain significance. Last evaluated: 2023-05-08. Review status: criteria provided, single submitter. Criteria: GeneDx Variant Classification Process June 2021. Collection method: clinical testing. Allele origin: germline. Affected: yes.
Comment: Not observed at significant frequency in large population cohorts (gnomAD); In silico analysis supports that this missense variant does not alter protein structure/function; Has not been previously published as pathogenic or benign to our knowledge